The following is an entry in ClinVar:

NM_001128840.3(CACNA1D):c.3323A>G (p.Tyr1108Cys)

Genes: CACNA1D (calcium voltage-gated channel subunit alpha1 D; plus strand), LOC129936904 (ATAC-STARR-seq lymphoblastoid active region 19969; plus strand). Cytogenetic location: 3p21.1.
Variant type: single nucleotide variant.
Coding change: c.3323A>G on transcript NM_001128840.3 (MANE Select); coding-DNA position 3323, A replaced by G.
Protein change: p.Tyr1108Cys; replaces tyrosine 1108 with cysteine.
Molecular consequence: missense variant.
Genome position (GRCh38, 1-based): chr3:53,749,276, A>G. VCF-style: chr3-53749276-A-G. GRCh37 (hg19) VCF-style: chr3-53783303-A-G.
Other names: c.3383A>G, p.Tyr1128Cys (NM_000720.4); c.3323A>G, p.Tyr1108Cys (NM_001128839.3); short protein forms Y1108C, Y1128C.
Identifiers: ClinVar variation 4795454 (VCV004795454.1).

ClinVar aggregate classification (germline): Likely pathogenic (1 of 4 stars; one submission).

Submission:

GeneDx
Classification: Likely pathogenic. Last evaluated: 2025-08-14. Review status: criteria provided, single submitter. Criteria: GeneDx Variant Classification Process June 2021. Collection method: clinical testing. Allele origin: germline. Affected: yes.
Comment: Not observed at significant frequency in large population cohorts (gnomAD); In silico analysis supports that this missense variant has a deleterious effect on protein structure/function; Has not been previously published as pathogenic or benign to our knowledge